The following is an entry in ClinVar:

NM_000250.2(MPO):c.1680G>C (p.Gln560His)

Genes: MPO (myeloperoxidase; minus strand), LOC106694316 (enhancer region in introns 7-9 of MPO; plus strand). Cytogenetic location: 17q22.
Variant type: single nucleotide variant.
Coding change: c.1680G>C on transcript NM_000250.2 (MANE Select); coding-DNA position 1680, G replaced by C.
Protein change: p.Gln560His; replaces glutamine 560 with histidine.
Molecular consequence: missense variant.
Genome position (GRCh38, 1-based): chr17:58,272,860, C>G on the plus strand (G>C on the coding strand, the complement: MPO is on the minus strand). VCF-style: chr17-58272860-C-G. GRCh37 (hg19) VCF-style: chr17-56350221-C-G.
Other names: short protein forms Q560H.
Identifiers: ClinVar variation 3912712 (VCV003912712.3).

ClinVar aggregate classification (germline): Uncertain significance. Review status: criteria provided, multiple submitters, no conflicts (2 of 4 stars). 2 submissions from 2 submitters: Uncertain significance (2). Last evaluated 2026-03-17.

gnomAD v4.1: 2 of 1,614,206 alleles (0.00012%); highest among the groups gnomAD compares: Admixed American, 0.0033%; no homozygotes.

Submissions (2):

Dasa
Classification: Uncertain significance. Last evaluated: 2026-03-17. Review status: criteria provided, single submitter. Criteria: DASA Assertion Criteria. Collection method: clinical testing. Allele origin: germline.
Comment: NM_000250.2(MPO):c.1680G>C (p.Gln560His) is a missense variant that results in the substitution of glutamine with histidine. This variant has been observed in affected individuals with MPO-related disorders. Also, this variant is rare in population databases. Computational prediction algorithms are consistent with a deleterious effect. The currently available literature and clinical evidence are not sufficient to establish a definitive association between this variant and the reported condition. Therefore, this variant is classified as a variant of uncertain significance.

Ambry Genetics
Classification: Uncertain significance. Last evaluated: 2025-05-05. Review status: criteria provided, single submitter. Criteria: Ambry Variant Classification Scheme 2023. Collection method: clinical testing. Allele origin: germline.